The following is an entry in ClinVar:

ClinVar aggregate classification (germline): Uncertain significance (1 of 4 stars; one submission).

Conditions:
Hypertrophic cardiomyopathy 12. Identifiers: MedGen C2677491, MONDO:0012804, OMIM 612124.
Dilated cardiomyopathy 1M (CMD1M). Identifiers: Orphanet 154, MedGen C1843808, MONDO:0011840, OMIM 607482.

Allele frequency attached by ClinVar (database versions not stated): gnomAD 0.00001 and below 0.00001; gnomAD exomes below 0.00001; TOPMed below 0.00001; ExAC 0.00001.
gnomAD v4.1: 3 of 1,614,104 alleles (0.00019%); highest among the groups gnomAD compares: South Asian, 0.0022%; no homozygotes.

Submission:

Labcorp Genetics (formerly Invitae), Labcorp
Classification: Uncertain significance for Hypertrophic cardiomyopathy 12; Dilated cardiomyopathy 1M. Last evaluated: 2022-11-12. Review status: criteria provided, single submitter. Criteria: Invitae Variant Classification Sherloc (09022015). Collection method: clinical testing. Allele origin: germline.
Comment: This variant has not been reported in the literature in individuals affected with CSRP3-related conditions. This sequence change replaces threonine, which is neutral and polar, with isoleucine, which is neutral and non-polar, at codon 104 of the CSRP3 protein (p.Thr104Ile). This variant is present in population databases (rs758083208, gnomAD 0.0009%). ClinVar contains an entry for this variant (Variation ID: 963688). Algorithms developed to predict the effect of missense changes on protein structure and function (SIFT, PolyPhen-2, Align-GVGD) all suggest that this variant is likely to be tolerated. In summary, the available evidence is currently insufficient to determine the role of this variant in disease. Therefore, it has been classified as a Variant of Uncertain Significance.

NM_003476.5(CSRP3):c.311C>T (p.Thr104Ile)

Gene: CSRP3 (cysteine and glycine rich protein 3; minus strand). Cytogenetic location: 11p15.1.
Variant type: single nucleotide variant.
Coding change: c.311C>T on transcript NM_003476.5 (MANE Select); coding-DNA position 311, C replaced by T.
Protein change: p.Thr104Ile; replaces threonine 104 with isoleucine.
Molecular consequence: missense variant.
Genome position (GRCh38, 1-based): chr11:19,186,319, G>A on the plus strand (C>T on the coding strand, the complement: CSRP3 is on the minus strand). VCF-style: chr11-19186319-G-A. GRCh37 (hg19) VCF-style: chr11-19207866-G-A.
Other names: c.142C>T, p.Pro48Ser (NM_001369404.1); short protein forms P48S, T104I.
Identifiers: ClinVar variation 963688 (VCV000963688.9), dbSNP rs758083208, ClinGen allele CA5916572.